The following is an entry in ClinVar:

ClinVar aggregate classification (germline): Likely benign (1 of 4 stars; one submission).

Submission:

GeneDx
Classification: Likely benign. Last evaluated: 2018-03-01. Review status: criteria provided, single submitter. Criteria: GeneDx Variant Classification (06012015). Collection method: clinical testing. Allele origin: germline. Affected: yes.
Comment: This variant is considered likely benign or benign based on one or more of the following criteria: it is a conservative change, it occurs at a poorly conserved position in the protein, it is predicted to be benign by multiple in silico algorithms, and/or has population frequency not consistent with disease.

NM_001128225.3(SLC39A13):c.416-36TGGCC[2]

Gene: SLC39A13 (solute carrier family 39 member 13; plus strand). Cytogenetic location: 11p11.2.
Variant type: Microsatellite.
Coding change: c.416-36TGGCC[2] on transcript NM_001128225.3 (MANE Select); two copies in a row of the 5-base unit TGGCC starting at c.416-36.
Molecular consequence: intron variant.
Genome position: GRCh38 VCF-style: chr11-47412309-TTGGCC-T. GRCh37 (hg19) VCF-style: chr11-47433860-TTGGCC-T.
Other names: c.416-36TGGCC[2] (NM_152264.5, NM_001330245.2); c.416-22_416-18delCTGGC (NM_152264.4).
Identifiers: ClinVar variation 515822 (VCV000515822.1), dbSNP rs763461494, ClinGen allele CA5975775.